The following is an entry in ClinVar:

ClinVar aggregate classification (germline): Conflicting classifications of pathogenicity. Review status: criteria provided, conflicting classifications (1 of 4 stars). 2 submissions from 2 submitters: Uncertain significance (1); Likely benign (1). Last evaluated 2025-11-13.

Conditions:
Inborn genetic diseases. Identifiers: MedGen C0950123, MeSH D030342.

Allele frequency attached by ClinVar (database versions not stated): TOPMed 0.00001; gnomAD 0.00003.
gnomAD v4.1: 18 of 1,610,538 alleles (0.0011%); highest among the groups gnomAD compares: East Asian, 0.0045%; no homozygotes.

Submissions (2):

Ambry Genetics
Classification: Likely benign for Inborn genetic diseases. Last evaluated: 2025-11-13. Review status: criteria provided, single submitter. Criteria: Ambry Variant Classification Scheme 2023. Collection method: clinical testing. Allele origin: germline.

Labcorp Genetics (formerly Invitae), Labcorp
Classification: Uncertain significance. Last evaluated: 2022-07-19. Review status: criteria provided, single submitter. Criteria: Invitae Variant Classification Sherloc (09022015). Collection method: clinical testing. Allele origin: germline.
Comment: This sequence change replaces glycine, which is neutral and non-polar, with arginine, which is basic and polar, at codon 372 of the TELO2 protein (p.Gly372Arg). The frequency data for this variant in the population databases is considered unreliable, as metrics indicate poor data quality at this position in the gnomAD database. This variant has not been reported in the literature in individuals affected with TELO2-related conditions. Algorithms developed to predict the effect of missense changes on protein structure and function output the following: SIFT: "Tolerated"; PolyPhen-2: "Benign"; Align-GVGD: "Class C0". The arginine amino acid residue is found in multiple mammalian species, which suggests that this missense change does not adversely affect protein function. Algorithms developed to predict the effect of sequence changes on RNA splicing suggest that this variant may create or strengthen a splice site. In summary, the available evidence is currently insufficient to determine the role of this variant in disease. Therefore, it has been classified as a Variant of Uncertain Significance.

NM_016111.4(TELO2):c.1114G>A (p.Gly372Arg)

Gene: TELO2 (telomere maintenance 2; plus strand). Cytogenetic location: 16p13.3.
Variant type: single nucleotide variant.
Coding change: c.1114G>A on transcript NM_016111.4 (MANE Select); coding-DNA position 1114, G replaced by A.
Protein change: p.Gly372Arg; replaces glycine 372 with arginine.
Molecular consequence: missense variant.
Genome position (GRCh38, 1-based): chr16:1,500,458, G>A. VCF-style: chr16-1500458-G-A. GRCh37 (hg19) VCF-style: chr16-1550459-G-A.
Other names: c.1114G>A, p.Gly372Arg (NM_001351846.2); c.1114G>A (NM_016111.3); short protein forms G372R.
Identifiers: ClinVar variation 1925355 (VCV001925355.3), dbSNP rs1243259932, ClinGen allele CA394211919.